The following is an entry in ClinVar:

ClinVar aggregate classification (germline): Uncertain significance (1 of 4 stars; one submission).

Conditions:
RYR1-related disorder. Also called: RYR1-related condition; RYR1-related disorders. Identifiers: MedGen CN239331.

Submission:

Labcorp Genetics (formerly Invitae), Labcorp
Classification: Uncertain significance for RYR1-related disorder. Last evaluated: 2024-06-25. Review status: criteria provided, single submitter. Criteria: Invitae Variant Classification Sherloc (09022015). Collection method: clinical testing. Allele origin: germline.
Comment: This sequence change replaces tyrosine, which is neutral and polar, with phenylalanine, which is neutral and non-polar, at codon 2318 of the RYR1 protein (p.Tyr2318Phe). This variant is not present in population databases (gnomAD no frequency). This variant has not been reported in the literature in individuals affected with RYR1-related conditions. Advanced modeling of protein sequence and biophysical properties (such as structural, functional, and spatial information, amino acid conservation, physicochemical variation, residue mobility, and thermodynamic stability) has been performed at Invitae for this missense variant, however the output from this modeling did not meet the statistical confidence thresholds required to predict the impact of this variant on RYR1 protein function. In summary, the available evidence is currently insufficient to determine the role of this variant in disease. Therefore, it has been classified as a Variant of Uncertain Significance.

NM_000540.3(RYR1):c.6953A>T (p.Tyr2318Phe)

Gene: RYR1 (ryanodine receptor 1; plus strand). Cytogenetic location: 19q13.2.
Variant type: single nucleotide variant.
Coding change: c.6953A>T on transcript NM_000540.3 (MANE Select); coding-DNA position 6953, A replaced by T.
Protein change: p.Tyr2318Phe; replaces tyrosine 2318 with phenylalanine.
Molecular consequence: missense variant.
Genome position (GRCh38, 1-based): chr19:38,499,169, A>T. VCF-style: chr19-38499169-A-T. GRCh37 (hg19) VCF-style: chr19-38989809-A-T.
Other names: c.6953A>T, p.Tyr2318Phe (NM_001042723.2); short protein forms Y2318F.
Identifiers: ClinVar variation 3631832 (VCV003631832.2).